The following is an entry in ClinVar:

NM_182961.4(SYNE1):c.13174A>G (p.Ser4392Gly)

Gene: SYNE1 (spectrin repeat containing nuclear envelope protein 1; minus strand). Cytogenetic location: 6q25.2.
Variant type: single nucleotide variant.
Coding change: c.13174A>G on transcript NM_182961.4 (MANE Select); coding-DNA position 13174, A replaced by G.
Protein change: p.Ser4392Gly; replaces serine 4392 with glycine.
Molecular consequence: missense variant.
Genome position (GRCh38, 1-based): chr6:152,331,511, T>C on the plus strand (A>G on the coding strand, the complement: SYNE1 is on the minus strand). VCF-style: chr6-152331511-T-C. GRCh37 (hg19) VCF-style: chr6-152652646-T-C.
Other names: c.12961A>G, p.Ser4321Gly (NM_033071.5); short protein forms S4392G, S4321G.
Identifiers: ClinVar variation 4784029 (VCV004784029.1).

ClinVar aggregate classification (germline): Uncertain significance (1 of 4 stars; one submission).

Conditions:
Autosomal recessive ataxia, Beauce type. Also called: SYNE1-Related Autosomal Recessive Cerebellar Ataxia; Spinocerebellar ataxia, autosomal recessive 8; ATAXIA, RECESSIVE, OF BEAUCE; SYNE1 Deficiency. Identifiers: Orphanet 88644, MedGen C1853116, MONDO:0012549, OMIM 610743.
Emery-Dreifuss muscular dystrophy 4, autosomal dominant (EDMD4). Also called: EMERY-DREIFUSS MUSCULAR DYSTROPHY 4 WITH VARIABLE FEATURES. Identifiers: Orphanet 261, MedGen C2751807, MONDO:0013071, OMIM 612998.

Submission:

Labcorp Genetics (formerly Invitae), Labcorp
Classification: Uncertain significance for Emery-Dreifuss muscular dystrophy 4, autosomal dominant; Autosomal recessive ataxia, Beauce type. Last evaluated: 2025-02-06. Review status: criteria provided, single submitter. Criteria: Invitae Variant Classification Sherloc (09022015). Collection method: clinical testing. Allele origin: germline.
Comment: This sequence change replaces serine, which is neutral and polar, with glycine, which is neutral and non-polar, at codon 4321 of the SYNE1 protein (p.Ser4321Gly). This variant is not present in population databases (gnomAD no frequency). This variant has not been reported in the literature in individuals affected with SYNE1-related conditions. An algorithm developed to predict the effect of missense changes on protein structure and function (PolyPhen-2) suggests that this variant is likely to be disruptive. In summary, the available evidence is currently insufficient to determine the role of this variant in disease. Therefore, it has been classified as a Variant of Uncertain Significance.